The following is an entry in ClinVar:

NM_000479.5(AMH):c.802A>G (p.Thr268Ala)

Gene: AMH (anti-Mullerian hormone; plus strand). Cytogenetic location: 19p13.3.
Variant type: single nucleotide variant.
Coding change: c.802A>G on transcript NM_000479.5 (MANE Select); coding-DNA position 802, A replaced by G.
Protein change: p.Thr268Ala; replaces threonine 268 with alanine.
Molecular consequence: missense variant.
Genome position (GRCh38, 1-based): chr19:2,250,986, A>G. VCF-style: chr19-2250986-A-G. GRCh37 (hg19) VCF-style: chr19-2250985-A-G.
Other names: c.802A>G (NM_000479.3); short protein forms T268A.
Identifiers: ClinVar variation 1403680 (VCV001403680.8), dbSNP rs201324658, ClinGen allele CA9062973.

ClinVar aggregate classification (germline): Uncertain significance. Review status: criteria provided, multiple submitters, no conflicts (2 of 4 stars). 3 submissions from 3 submitters: Uncertain significance (3). Last evaluated 2022-07-23.

Conditions:
Inborn genetic diseases. Identifiers: MedGen C0950123, MeSH D030342.
Persistent Mullerian duct syndrome (PMDS). Also called: FEMALE GENITAL DUCTS IN OTHERWISE NORMAL MALE; HERNIA UTERI INGUINALE; PERSISTENT MULLERIAN DUCT SYNDROME, TYPES I AND II; PERSISTENT OVIDUCT SYNDROME; PSEUDOHERMAPHRODITISM, MALE INTERNAL. Identifiers: Orphanet 2856, MedGen C1849930, MONDO:0009857, OMIM 261550.

Allele frequency attached by ClinVar (database versions not stated): ExAC 0.00009; gnomAD exomes 0.00025 and 0.00037; 1000 Genomes Project 30x 0.00031; TOPMed 0.00032; gnomAD 0.00034.
gnomAD v4.1: 555 of 1,516,086 alleles (0.037%); highest among the groups gnomAD compares: Non-Finnish European, 0.044%; 2 homozygotes.

Submissions (3):

Labcorp Genetics (formerly Invitae), Labcorp
Classification: Uncertain significance. Last evaluated: 2022-07-23. Review status: criteria provided, single submitter. Criteria: Invitae Variant Classification Sherloc (09022015). Collection method: clinical testing. Allele origin: germline.
Comment: In summary, the available evidence is currently insufficient to determine the role of this variant in disease. Therefore, it has been classified as a Variant of Uncertain Significance. Algorithms developed to predict the effect of missense changes on protein structure and function are either unavailable or do not agree on the potential impact of this missense change (SIFT: "Not Available"; PolyPhen-2: "Possibly Damaging"; Align-GVGD: "Not Available"). ClinVar contains an entry for this variant (Variation ID: 1403680). This variant has not been reported in the literature in individuals affected with AMH-related conditions. This variant is present in population databases (rs201324658, gnomAD 0.04%). This sequence change replaces threonine, which is neutral and polar, with alanine, which is neutral and non-polar, at codon 268 of the AMH protein (p.Thr268Ala).

Fulgent Genetics
Classification: Uncertain significance for Persistent Mullerian duct syndrome. Last evaluated: 2021-12-06. Review status: criteria provided, single submitter. Criteria: ACMG Guidelines, 2015. Collection method: clinical testing. Allele origin: unknown.

Ambry Genetics
Classification: Uncertain significance for Inborn genetic diseases. Last evaluated: 2021-07-27. Review status: criteria provided, single submitter. Criteria: Ambry Variant Classification Scheme 2023. Collection method: clinical testing. Allele origin: germline.